The following is an entry in ClinVar:

NM_000051.4(ATM):c.8456T>C (p.Val2819Ala)

Genes: ATM (ATM serine/threonine kinase; plus strand), C11orf65 (chromosome 11 open reading frame 65; minus strand). Cytogenetic location: 11q22.3.
Variant type: single nucleotide variant.
Coding change: c.8456T>C on transcript NM_000051.4 (MANE Select); coding-DNA position 8456, T replaced by C.
Protein change: p.Val2819Ala; replaces valine 2819 with alanine.
Molecular consequence: missense variant. On other transcripts: intron variant (2).
Genome position (GRCh38, 1-based): chr11:108,345,780, T>C. VCF-style: chr11-108345780-T-C. GRCh37 (hg19) VCF-style: chr11-108216507-T-C.
Other names: c.8456T>C, p.Val2819Ala (NM_001351834.2); c.641-36709A>G (NM_001330368.2); c.695-10488A>G (NM_001351110.2); short protein forms V2819A.
Identifiers: ClinVar variation 1763444 (VCV001763444.4), dbSNP rs1565563392, ClinGen allele CA382517925.

ClinVar aggregate classification (germline): Uncertain significance. Review status: criteria provided, multiple submitters, no conflicts (2 of 4 stars). 2 submissions from 2 submitters: Uncertain significance (2). Last evaluated 2025-01-19.

Conditions:
Ataxia-telangiectasia syndrome (AT). Also called: Ataxia telangiectasia (A-T); LOUIS-BAR SYNDROME; Cerebello-oculocutaneous telangiectasia; Immunodeficiency with ataxia telangiectasia; Ataxia-telangiectasia, complementation group D; AT, COMPLEMENTATION GROUP C. Identifiers: Orphanet 100, MedGen C0004135, MONDO:0008840, OMIM 208900.
Hereditary cancer-predisposing syndrome. Also called: Hereditary neoplastic syndrome; Neoplastic Syndromes, Hereditary; Tumor predisposition; Hereditary Cancer Syndrome. Identifiers: Orphanet 140162, MedGen C0027672, MeSH D009386, MONDO:0015356.

Submissions (2):

Labcorp Genetics (formerly Invitae), Labcorp
Classification: Uncertain significance for Ataxia-telangiectasia syndrome. Last evaluated: 2025-01-19. Review status: criteria provided, single submitter. Criteria: Invitae Variant Classification Sherloc (09022015). Collection method: clinical testing. Allele origin: germline.
Comment: This sequence change replaces valine, which is neutral and non-polar, with alanine, which is neutral and non-polar, at codon 2819 of the ATM protein (p.Val2819Ala). This variant is not present in population databases (gnomAD no frequency). This variant has not been reported in the literature in individuals affected with ATM-related conditions. ClinVar contains an entry for this variant (Variation ID: 1763444). Invitae Evidence Modeling of protein sequence and biophysical properties (such as structural, functional, and spatial information, amino acid conservation, physicochemical variation, residue mobility, and thermodynamic stability) indicates that this missense variant is not expected to disrupt ATM protein function with a negative predictive value of 95%. In summary, the available evidence is currently insufficient to determine the role of this variant in disease. Therefore, it has been classified as a Variant of Uncertain Significance.

Ambry Genetics
Classification: Uncertain significance for Hereditary cancer-predisposing syndrome. Last evaluated: 2024-03-02. Review status: criteria provided, single submitter. Criteria: Ambry Variant Classification Scheme 2023. Collection method: clinical testing. Allele origin: germline.
Comment: The p.V2819A variant (also known as c.8456T>C), located in coding exon 57 of the ATM gene, results from a T to C substitution at nucleotide position 8456. The valine at codon 2819 is replaced by alanine, an amino acid with similar properties. This amino acid position is poorly conserved in available vertebrate species. In addition, this alteration is predicted to be tolerated by in silico analysis. Since supporting evidence is limited at this time, the clinical significance of this alteration remains unclear.